The following is an entry in ClinVar:

ClinVar aggregate classification (germline): Pathogenic/Likely pathogenic. Review status: criteria provided, multiple submitters, no conflicts (2 of 4 stars). 9 submissions from 9 submitters: Pathogenic (7); Likely pathogenic (1). 1 of the submissions does not count toward it. Last evaluated 2024-09-16.

Conditions:
ADCK3 & COQ8A-related disorders.
Autosomal recessive ataxia due to ubiquinone deficiency. Also called: Coenzyme Q10 deficiency, primary, 4; SPINOCEREBELLAR ATAXIA, AUTOSOMAL RECESSIVE 9. Identifiers: Orphanet 139485, MedGen C2677589, MONDO:0012784, OMIM 612016.

Allele frequency attached by ClinVar (database versions not stated): ExAC 0.00002; gnomAD exomes 0.00003; gnomAD 0.00003; TOPMed 0.00003; ESP Exome Variant Server 0.00008.
gnomAD v4.1: 48 of 1,613,560 alleles (0.003%); highest among the groups gnomAD compares: Admixed American, 0.0067%; no homozygotes.

Submissions (9):

Blueprint Genetics
Classification: Pathogenic for ADCK3 & COQ8A-related disorders. Last evaluated: 2024-09-16. Review status: criteria provided, single submitter. Criteria: ACMG Guidelines, 2015. Collection method: clinical testing. Allele origin: germline. Affected: yes. Observed: 5 variant alleles.

Neuberg Centre For Genomic Medicine, NCGM
Classification: Pathogenic for Autosomal recessive ataxia due to ubiquinone deficiency. Last evaluated: 2023-03-01. Review status: criteria provided, single submitter. Criteria: ACMG Guidelines, 2015. Collection method: clinical testing. Allele origin: germline. Inheritance: Autosomal recessive inheritance. Affected: yes.

3billion
Classification: Pathogenic for Autosomal recessive ataxia due to ubiquinone deficiency. Last evaluated: 2023-02-23. Review status: criteria provided, single submitter. Criteria: ACMG Guidelines, 2015. Collection method: clinical testing. Allele origin: unknown. Affected: yes.
Comment: The variant is observed at an extremely low frequency in the gnomAD v2.1.1 dataset (total allele frequency: 0.003%). In silico tool predictions suggest damaging effect of the variant on gene or gene product (REVEL: 0.78; 3Cnet: 0.94). Same nucleotide change resulting in same amino acid change has been previously reported as pathogenic/likely pathogenic with strong evidence (ClinVar ID: VCV000372655). The variant has been observed in multiple (>3) similarly affected unrelated individuals (PMID: 22036850, 24164873, 27106809, 27142713, 30637285, 32337771). The variant has been reported to be in trans with a pathogenic variant as either compound heterozygous or homozygous in at least 2 similarly affected unrelated individuals (PMID: 22036850, 24164873, 27106809, 27142713). Therefore, this variant is classified as Pathogenic according to the recommendation of ACMG/AMP guideline.

GeneDx
Classification: Pathogenic. Last evaluated: 2022-11-22. Review status: criteria provided, single submitter. Criteria: GeneDx Variant Classification Process June 2021. Collection method: clinical testing. Allele origin: germline. Affected: yes.
Comment: In silico analysis, which includes protein predictors and evolutionary conservation, supports a deleterious effect; Not observed at significant frequency in large population cohorts (gnomAD); This variant is associated with the following publications: (PMID: 33057194, 37090936, 35982159, 27106809, 22036850, 24164873, 27142713, 30637285, 32337771, 34638552, 30968303)

Molecular Genetics, Royal Melbourne Hospital
Classification: Pathogenic for Autosomal recessive ataxia due to ubiquinone deficiency. Last evaluated: 2022-07-01. Review status: criteria provided, single submitter. Criteria: ACMG Guidelines, 2015. Collection method: clinical testing. Allele origin: germline.
Comment: This sequence change in COQ8A is predicted to replace arginine with tryptophan at codon 299, p.(Arg299Trp). The arginine residue is highly conserved (100 vertebrates, UCSC), and is located in a helical region. There is a large physicochemical difference between arginine and tryptophan. The highest population minor allele frequency in gnomAD v2.1 is 0.006% (2/34,578 alleles) in the Latino/admixed American population, which is consistent with a recessive condition. This variant has been detected in at least six individuals with ataxia due to coenzyme Q10 deficiency. Of those individuals, two individuals were homozygous and three were compound heterozygous for the variant and a pathogenic or likely pathogenic variant and two of those were confirmed in trans by parental/family testing (PMID: 22036850, 24164873, 27106809, 27142713). The variant has been reported to segregate with disease in at least two families (PMID: 24164873, 27106809). Multiple lines of computational evidence predict a deleterious effect for the missense substitution (4/5 algorithms). Based on the classification scheme RMH Modified ACMG Guidelines v1.5.1, this variant is classified as PATHOGENIC. Following criteria are met: PM3_VeryStrong, PP1_Moderate, PM2_Supporting, PP3.

Mendelics
Classification: Pathogenic for Autosomal recessive ataxia due to ubiquinone deficiency. Last evaluated: 2022-05-04. Review status: criteria provided, single submitter. Criteria: Mendelics Assertion Criteria 2019. Collection method: clinical testing. Allele origin: germline.

Labcorp Genetics (formerly Invitae), Labcorp
Classification: Pathogenic. Last evaluated: 2021-12-28. Review status: criteria provided, single submitter. Criteria: Invitae Variant Classification Sherloc (09022015). Collection method: clinical testing. Allele origin: germline.
Comment: This sequence change replaces arginine, which is basic and polar, with tryptophan, which is neutral and slightly polar, at codon 299 of the COQ8A protein (p.Arg299Trp). This variant is present in population databases (rs201908721, gnomAD 0.009%). This missense change has been observed in individuals with clinical features of coenzyme Q10 deficiency (PMID: 22036850, 32337771). ClinVar contains an entry for this variant (Variation ID: 372655). Advanced modeling of protein sequence and biophysical properties (such as structural, functional, and spatial information, amino acid conservation, physicochemical variation, residue mobility, and thermodynamic stability) performed at Invitae indicates that this missense variant is expected to disrupt COQ8A protein function. Algorithms developed to predict the effect of sequence changes on RNA splicing suggest that this variant may create or strengthen a splice site. For these reasons, this variant has been classified as Pathogenic.

Athena Diagnostics
Classification: Likely pathogenic. Last evaluated: 2020-11-20. Review status: criteria provided, single submitter. Criteria: Athena Diagnostics criteria. Collection method: clinical testing. Allele origin: unknown.
Comment: The frequency of this variant in the general population is consistent with pathogenicity. This variant has been identified in at least one individual with clinical features associated with this gene. In multiple individuals, this variant has been seen with a single recessive pathogenic variant in the same gene, suggesting this variant may also be pathogenic. Computational tools predict that this variant is damaging.

GeneReviews
No classification provided. Condition: Autosomal recessive ataxia due to ubiquinone deficiency. Review status: no classification provided. Collection method: literature only. Allele origin: germline. Not counted in ClinVar's aggregate classification.

Literature cited by the submitters: PubMed 27142713 (cited by 3billion and Molecular Genetics, Royal Melbourne Hospital); PubMed 24164873 (cited by 3 submitters); PubMed 22036850 (cited by 4 submitters); PubMed 32337771 (cited by 3billion and Labcorp Genetics (formerly Invitae), Labcorp); PubMed 27106809 (cited by 3 submitters); PubMed 30637285 (cited by 3billion); PubMed 25498144 (cited by Athena Diagnostics); PubMed 30968303 (cited by Athena Diagnostics); NCBI Bookshelf NBK410087 (cited by GeneReviews).

NM_020247.5(COQ8A):c.895C>T (p.Arg299Trp)

Gene: COQ8A (coenzyme Q8A; plus strand). Cytogenetic location: 1q42.13.
Variant type: single nucleotide variant.
Coding change: c.895C>T on transcript NM_020247.5 (MANE Select); coding-DNA position 895, C replaced by T.
Protein change: p.Arg299Trp; replaces arginine 299 with tryptophan.
Molecular consequence: missense variant.
Genome position (GRCh38, 1-based): chr1:226,982,719, C>T. VCF-style: chr1-226982719-C-T. GRCh37 (hg19) VCF-style: chr1-227170420-C-T.
Other names: short protein forms R299W.
Identifiers: ClinVar variation 372655 (VCV000372655.16), dbSNP rs201908721, ClinGen allele CA1425208.